The following is an entry in ClinVar:

ClinVar aggregate classification (germline): Pathogenic (1 of 4 stars; one submission).

Conditions:
Mowat-Wilson syndrome (MOWS). Also called: Classic Mowat-Wilson Syndrome. Identifiers: Orphanet 2152, MedGen C1856113, MONDO:0009341, OMIM 235730.

Submission:

3billion
Classification: Pathogenic for Mowat-Wilson syndrome. Last evaluated: 2021-10-02. Review status: criteria provided, single submitter. Criteria: ACMG Guidelines, 2015. Collection method: clinical testing. Allele origin: germline. Affected: yes. Observed: 1 heterozygote.
Comment: Frameshift: predicted to result in a loss or disruption of normal protein function through nonsense-mediated decay (NMD) or protein truncation. Multiple pathogenic variants are reported downstream of the variant (PVS1_VS). The variant was observed as assumed (i.e. paternity and maternity not confirmed) de novoo (3billion dataset, PM6). It is not observed in the gnomAD v2.1.1 dataset (PM2). Therefore, this variant is classified as pathogenic according to the recommendation of ACMG/AMP guideline.

NM_014795.4(ZEB2):c.1170del (p.Thr392fs)

Gene: ZEB2 (zinc finger E-box binding homeobox 2; minus strand). Cytogenetic location: 2q22.3.
Variant type: Deletion.
Coding change: c.1170del on transcript NM_014795.4 (MANE Select); coding-DNA position 1170, one base deleted (T; older notation c.1170delT).
Protein change: p.Thr392fs; shifts the reading frame from threonine 392.
Molecular consequence: frameshift variant.
Genome position (GRCh38, 1-based): chr2:144,400,017, A deleted on the plus strand (T on the coding strand, the reverse complement: ZEB2 is on the minus strand); the first of 2 consecutive A bases (chr2:144,400,017-144,400,018); deleting either gives the same sequence. VCF-style (leftmost placement, unchanged base first): chr2-144400016-TA-T. GRCh37 (hg19) VCF-style: chr2-145157583-TA-T.
Other names: c.1098del, p.Thr368fs (NM_001171653.2); short protein forms T368fs, T392fs.
Identifiers: ClinVar variation 1320156 (VCV001320156.1), dbSNP rs2149877432, ClinGen allele CA2573051660.